The following is an entry in ClinVar:

NM_016138.5(COQ7):c.65C>T (p.Ser22Phe)

Genes: COQ7 (coenzyme Q7, hydroxylase; plus strand), LOC130058587 (ATAC-STARR-seq lymphoblastoid silent region 7240; plus strand). Cytogenetic location: 16p12.3.
Variant type: single nucleotide variant.
Coding change: c.65C>T on transcript NM_016138.5 (MANE Select); coding-DNA position 65, C replaced by T.
Protein change: p.Ser22Phe; replaces serine 22 with phenylalanine.
Molecular consequence: missense variant. On other transcripts: 5 prime UTR variant (1), non-coding transcript variant (2).
Genome position (GRCh38, 1-based): chr16:19,067,729, C>T. VCF-style: chr16-19067729-C-T. GRCh37 (hg19) VCF-style: chr16-19079051-C-T.
Other names: c.65C>T, p.Ser22Phe (NM_001370490.1); c.-143C>T (NM_001370494.1); short protein forms S22F.
Identifiers: ClinVar variation 1973243 (VCV001973243.5), dbSNP rs761865174, ClinGen allele CA7932848.

ClinVar aggregate classification (germline): Uncertain significance (1 of 4 stars; one submission).

Allele frequency attached by ClinVar (database versions not stated): ExAC 0.00001; gnomAD 0.00001; gnomAD exomes 0.00002.
gnomAD v4.1: 15 of 1,604,430 alleles (0.00093%); highest among the groups gnomAD compares: East Asian, 0.029%; no homozygotes.

Submission:

Labcorp Genetics (formerly Invitae), Labcorp
Classification: Uncertain significance. Last evaluated: 2021-12-02. Review status: criteria provided, single submitter. Criteria: Invitae Variant Classification Sherloc (09022015). Collection method: clinical testing. Allele origin: germline.
Comment: This variant has not been reported in the literature in individuals affected with COQ7-related conditions. In summary, the available evidence is currently insufficient to determine the role of this variant in disease. Therefore, it has been classified as a Variant of Uncertain Significance. Algorithms developed to predict the effect of missense changes on protein structure and function are either unavailable or do not agree on the potential impact of this missense change (SIFT: "Deleterious"; PolyPhen-2: "Benign"; Align-GVGD: "Class C0"). This variant is present in population databases (rs761865174, gnomAD 0.003%). This sequence change replaces serine, which is neutral and polar, with phenylalanine, which is neutral and non-polar, at codon 22 of the COQ7 protein (p.Ser22Phe).